The following is an entry in ClinVar:

ClinVar aggregate classification (germline): Likely benign (1 of 4 stars; one submission).

gnomAD v4.1: 30 of 1,556,166 alleles (0.0019%); highest among the groups gnomAD compares: Non-Finnish European, 0.0023%; no homozygotes.

Submission:

CeGaT Center for Human Genetics Tuebingen
Classification: Likely benign. Last evaluated: 2026-02-01. Review status: criteria provided, single submitter. Criteria: CeGaT Center For Human Genetics Tuebingen Variant Classification Criteria Version 2. Collection method: clinical testing. Allele origin: germline. Affected: yes. Observed: 1 variant allele.
Comment: PAX8: BP4

NM_003466.4(PAX8):c.1334C>T (p.Thr445Met)

Gene: PAX8 (paired box 8; minus strand). Cytogenetic location: 2q14.1.
Variant type: single nucleotide variant.
Coding change: c.1334C>T on transcript NM_003466.4 (MANE Select); coding-DNA position 1334, C replaced by T.
Protein change: p.Thr445Met; replaces threonine 445 with methionine.
Molecular consequence: missense variant. On other transcripts: 3 prime UTR variant (3).
Genome position (GRCh38, 1-based): chr2:113,218,552, G>A on the plus strand (C>T on the coding strand, the complement: PAX8 is on the minus strand). VCF-style: chr2-113218552-G-A. GRCh37 (hg19) VCF-style: chr2-113976129-G-A.
Other names: c.*58C>T (NM_013952.4, NM_013953.4, NM_013992.4); short protein forms T445M.
Identifiers: ClinVar variation 4822004 (VCV004822004.4).